The following is an entry in ClinVar:

ClinVar aggregate classification (germline): Uncertain significance. Review status: criteria provided, multiple submitters, no conflicts (2 of 4 stars). 3 submissions from 3 submitters: Uncertain significance (3). Last evaluated 2024-08-15.

Conditions:
Short-rib thoracic dysplasia 14 with polydactyly (SRTD14). Identifiers: Orphanet 397715, MedGen C4225286, MONDO:0014688, OMIM 616546.
Joubert syndrome 23 (JBTS23). Identifiers: Orphanet 475, MedGen C4084822, MONDO:0014664, OMIM 616490.
Inborn genetic diseases. Identifiers: MedGen C0950123, MeSH D030342.

Allele frequency attached by ClinVar (database versions not stated): ExAC 0.00017; gnomAD 0.00019 and 0.00017; gnomAD exomes 0.00001 and 0.00005; ESP Exome Variant Server 0.00009; TOPMed 0.00025.
gnomAD v4.1: 36 of 1,511,200 alleles (0.0024%); highest among the groups gnomAD compares: African/African-American, 0.048%; no homozygotes.

Submissions (3):

GeneDx
Classification: Uncertain significance. Last evaluated: 2024-08-15. Review status: criteria provided, single submitter. Criteria: GeneDx Variant Classification Process June 2021. Collection method: clinical testing. Allele origin: germline.
Comment: In silico analysis supports that this missense variant has a deleterious effect on protein structure/function; Has not been previously published as pathogenic or benign to our knowledge

Ambry Genetics
Classification: Uncertain significance for Inborn genetic diseases. Last evaluated: 2023-02-10. Review status: criteria provided, single submitter. Criteria: Ambry Variant Classification Scheme 2023. Collection method: clinical testing. Allele origin: germline.

Labcorp Genetics (formerly Invitae), Labcorp
Classification: Uncertain significance for Joubert syndrome 23; Short-rib thoracic dysplasia 14 with polydactyly. Last evaluated: 2022-07-19. Review status: criteria provided, single submitter. Criteria: Invitae Variant Classification Sherloc (09022015). Collection method: clinical testing. Allele origin: germline.
Comment: This sequence change replaces proline, which is neutral and non-polar, with serine, which is neutral and polar, at codon 466 of the KIAA0586 protein (p.Pro466Ser). This variant is present in population databases (rs377325998, gnomAD 0.05%). This variant has not been reported in the literature in individuals affected with KIAA0586-related conditions. ClinVar contains an entry for this variant (Variation ID: 1495650). Algorithms developed to predict the effect of missense changes on protein structure and function output the following: SIFT: "Tolerated"; PolyPhen-2: "Benign"; Align-GVGD: "Class C0". The serine amino acid residue is found in multiple mammalian species, which suggests that this missense change does not adversely affect protein function. In summary, the available evidence is currently insufficient to determine the role of this variant in disease. Therefore, it has been classified as a Variant of Uncertain Significance.

NM_001329943.3(KIAA0586):c.1237C>T (p.Pro413Ser)

Gene: KIAA0586 (KIAA0586; plus strand). Cytogenetic location: 14q23.1.
Variant type: single nucleotide variant.
Coding change: c.1237C>T on transcript NM_001329943.3 (MANE Select); coding-DNA position 1237, C replaced by T.
Protein change: p.Pro413Ser; replaces proline 413 with serine.
Molecular consequence: missense variant.
Genome position (GRCh38, 1-based): chr14:58,453,457, C>T. VCF-style: chr14-58453457-C-T. GRCh37 (hg19) VCF-style: chr14-58920175-C-T.
Other names: c.1237C>T (NM_014749.3); c.1396C>T, p.Pro466Ser (NM_001244189.2); c.1192C>T, p.Pro398Ser (NM_001244190.2); c.982C>T, p.Pro328Ser (NM_001244191.2, NM_001329945.2, NM_001364700.1 and 1 more transcripts); c.1105C>T, p.Pro369Ser (NM_001244192.2); c.817C>T, p.Pro273Ser (NM_001244193.2); c.1237C>T, p.Pro413Ser (NM_001329944.2, NM_001329946.2, NM_001329947.2 and 1 more transcripts); short protein forms P413S, P328S, P466S, P273S, P369S, P398S.
Identifiers: ClinVar variation 1495650 (VCV001495650.9), dbSNP rs377325998, ClinGen allele CA7205585.